The following is an entry in ClinVar:

NM_004519.4(KCNQ3):c.2309A>G (p.Tyr770Cys)

Gene: KCNQ3 (potassium voltage-gated channel subfamily Q member 3; minus strand). Cytogenetic location: 8q24.22.
Variant type: single nucleotide variant.
Coding change: c.2309A>G on transcript NM_004519.4 (MANE Select); coding-DNA position 2309, A replaced by G.
Protein change: p.Tyr770Cys; replaces tyrosine 770 with cysteine.
Molecular consequence: missense variant.
Genome position (GRCh38, 1-based): chr8:132,129,572, T>C on the plus strand (A>G on the coding strand, the complement: KCNQ3 is on the minus strand). VCF-style: chr8-132129572-T-C. GRCh37 (hg19) VCF-style: chr8-133141819-T-C.
Other names: c.1949A>G, p.Tyr650Cys (NM_001204824.2); short protein forms Y650C, Y770C.
Identifiers: ClinVar variation 1392255 (VCV001392255.8), dbSNP rs2130923203, ClinGen allele CA372216163.

ClinVar aggregate classification (germline): Uncertain significance (1 of 4 stars; one submission).

Conditions:
Benign neonatal seizures. Also called: Convulsions benign familial neonatal dominant form; Autosomal dominant form of benign neonatal seizures; Benign familial neonatal epilepsy; Benign neonatal familial convulsions; Benign familial neonatal seizures. Identifiers: Orphanet 1949, MedGen C0220669, MONDO:0016027.

Allele frequency attached by ClinVar (database versions not stated): gnomAD exomes below 0.00001.
gnomAD v4.1: 2 of 1,614,054 alleles (0.00012%); highest among the groups gnomAD compares: Non-Finnish European, 0.00017%; no homozygotes.

Submission:

Labcorp Genetics (formerly Invitae), Labcorp
Classification: Uncertain significance for Benign neonatal seizures. Last evaluated: 2021-06-25. Review status: criteria provided, single submitter. Criteria: Invitae Variant Classification Sherloc (09022015). Collection method: clinical testing. Allele origin: germline.
Comment: This variant has not been reported in the literature in individuals with KCNQ3-related conditions. Advanced modeling of protein sequence and biophysical properties (such as structural, functional, and spatial information, amino acid conservation, physicochemical variation, residue mobility, and thermodynamic stability) performed at Invitae indicates that this missense variant is not expected to disrupt KCNQ3 protein function. In summary, the available evidence is currently insufficient to determine the role of this variant in disease. Therefore, it has been classified as a Variant of Uncertain Significance. This sequence change replaces tyrosine with cysteine at codon 770 of the KCNQ3 protein (p.Tyr770Cys). The tyrosine residue is moderately conserved and there is a large physicochemical difference between tyrosine and cysteine. This variant is not present in population databases (ExAC no frequency).